The following is an entry in ClinVar:

ClinVar aggregate classification (germline): Uncertain significance (1 of 4 stars; one submission).

Conditions:
Bethlem myopathy 1A. Also called: MYOPATHY, BENIGN CONGENITAL, WITH CONTRACTURES; Bethlem myopathy 1; Bethlem Muscular Dystrophy. Identifiers: Orphanet 610, MedGen CN029274, MONDO:0024530, OMIM 158810.

Submission:

Labcorp Genetics (formerly Invitae), Labcorp
Classification: Uncertain significance for Bethlem myopathy 1A. Last evaluated: 2024-01-26. Review status: criteria provided, single submitter. Criteria: Invitae Variant Classification Sherloc (09022015). Collection method: clinical testing. Allele origin: germline.
Comment: This sequence change replaces histidine, which is basic and polar, with arginine, which is basic and polar, at codon 3028 of the COL6A3 protein (p.His3028Arg). This variant is not present in population databases (gnomAD no frequency). This variant has not been reported in the literature in individuals affected with COL6A3-related conditions. Advanced modeling of protein sequence and biophysical properties (such as structural, functional, and spatial information, amino acid conservation, physicochemical variation, residue mobility, and thermodynamic stability) performed at Invitae indicates that this missense variant is not expected to disrupt COL6A3 protein function with a negative predictive value of 95%. In summary, the available evidence is currently insufficient to determine the role of this variant in disease. Therefore, it has been classified as a Variant of Uncertain Significance.

NM_004369.4(COL6A3):c.9083A>G (p.His3028Arg)

Gene: COL6A3 (collagen type VI alpha 3 chain; minus strand). Cytogenetic location: 2q37.3.
Variant type: single nucleotide variant.
Coding change: c.9083A>G on transcript NM_004369.4 (MANE Select); coding-DNA position 9083, A replaced by G.
Protein change: p.His3028Arg; replaces histidine 3028 with arginine.
Molecular consequence: missense variant.
Genome position (GRCh38, 1-based): chr2:237,334,772, T>C on the plus strand (A>G on the coding strand, the complement: COL6A3 is on the minus strand). VCF-style: chr2-237334772-T-C. GRCh37 (hg19) VCF-style: chr2-238243415-T-C.
Other names: c.7262A>G, p.His2421Arg (NM_057166.5); c.8465A>G, p.His2822Arg (NM_057167.4); short protein forms H2421R, H2822R, H3028R.
Identifiers: ClinVar variation 2710035 (VCV002710035.3), dbSNP rs2469787810, ClinGen allele CA351188675.